The following is an entry in ClinVar:

NM_012434.5(SLC17A5):c.146G>T (p.Gly49Val)

Gene: SLC17A5 (solute carrier family 17 member 5; minus strand). Cytogenetic location: 6q13.
Variant type: single nucleotide variant.
Coding change: c.146G>T on transcript NM_012434.5 (MANE Select); coding-DNA position 146, G replaced by T.
Protein change: p.Gly49Val; replaces glycine 49 with valine.
Molecular consequence: missense variant. On other transcripts: intron variant (2).
Genome position (GRCh38, 1-based): chr6:73,644,552, C>A on the plus strand (G>T on the coding strand, the complement: SLC17A5 is on the minus strand). VCF-style: chr6-73644552-C-A. GRCh37 (hg19) VCF-style: chr6-74354275-C-A.
Other names: c.146G>T, p.Gly49Val (NM_001382630.1, NM_001382632.1, NM_001382633.1 and 2 more transcripts); c.167G>T, p.Gly56Val (NM_001382631.1); c.61-2628G>T (NM_001382636.1, NM_001382629.1); short protein forms G49V, G56V.
Identifiers: ClinVar variation 1007058 (VCV001007058.12), dbSNP rs754877029, ClinGen allele CA364719272.

ClinVar aggregate classification (germline): Uncertain significance. Review status: criteria provided, single submitter (1 of 4 stars). 2 submissions from 2 submitters: Uncertain significance (1). 1 of the submissions does not count toward it. Last evaluated 2024-11-11.

Conditions:
Salla disease (SD). Also called: Sialuria, Finnish type; N-acetylneuraminic acid (NANA) storage disease (NSD); Infantile sialic acid storage disorder (ISSD); Less Severe FSASD (Salla Disease). Identifiers: Orphanet 309334, Orphanet 834, MedGen C1096903, MONDO:0011449, OMIM 604369.

Allele frequency attached by ClinVar (database versions not stated): gnomAD exomes below 0.00001; gnomAD 0.00001.
gnomAD v4.1: 2 of 1,613,888 alleles (0.00012%); highest among the groups gnomAD compares: Non-Finnish European, 0.00017%; no homozygotes.

Submissions (2):

Labcorp Genetics (formerly Invitae), Labcorp
Classification: Uncertain significance for Salla disease. Last evaluated: 2024-11-11. Review status: criteria provided, single submitter. Criteria: Invitae Variant Classification Sherloc (09022015). Collection method: clinical testing. Allele origin: germline.
Comment: This sequence change replaces glycine, which is neutral and non-polar, with valine, which is neutral and non-polar, at codon 49 of the SLC17A5 protein (p.Gly49Val). This variant is not present in population databases (gnomAD no frequency). This variant has not been reported in the literature in individuals affected with SLC17A5-related conditions. ClinVar contains an entry for this variant (Variation ID: 1007058). Invitae Evidence Modeling of protein sequence and biophysical properties (such as structural, functional, and spatial information, amino acid conservation, physicochemical variation, residue mobility, and thermodynamic stability) indicates that this missense variant is expected to disrupt SLC17A5 protein function with a positive predictive value of 95%. In summary, the available evidence is currently insufficient to determine the role of this variant in disease. Therefore, it has been classified as a Variant of Uncertain Significance.

Natera, Inc.
Classification: Uncertain significance for Salla disease. Last evaluated: 2021-06-30. Review status: no assertion criteria provided. Collection method: clinical testing. Allele origin: germline. Not counted in ClinVar's aggregate classification.